The following is an entry in ClinVar:

NM_004727.3(SLC24A1):c.2601_2624dup (p.Gln869_Glu876dup)

Gene: SLC24A1 (solute carrier family 24 member 1; plus strand). Cytogenetic location: 15q22.31.
Variant type: Duplication.
Coding change: c.2601_2624dup on transcript NM_004727.3 (MANE Select); coding-DNA positions 2601 to 2624, 24 bases duplicated (AGAGCAGGAGGAAGAGGAGGAGGA).
Protein change: p.Gln869_Glu876dup.
Molecular consequence: inframe insertion.
Genome position (GRCh38, 1-based): chr15:65,650,750-65,650,773, AGAGCAGGAGGAAGAGGAGGAGGA duplicated; duplicating any 24 consecutive bases within chr15:65,650,731-65,650,773 gives the same sequence; the c. name uses the placement nearest the transcript's 3' end. VCF-style (leftmost placement, unchanged base first): chr15-65650730-G-GAGGAGGAAGAGGAGGAGGAAGAGC. GRCh37 (hg19) VCF-style: chr15-65943068-G-GAGGAGGAAGAGGAGGAGGAAGAGC.
Other names: c.582_605dup, p.Gln196_Glu203dup (NM_001254740.2); c.2601_2624dup, p.Gln869_Glu876dup (NM_001301031.1); c.2547_2570dup, p.Gln851_Glu858dup (NM_001301032.1, NM_001301033.2).
Identifiers: ClinVar variation 1039033 (VCV001039033.8), dbSNP rs751090376, ClinGen allele CA7620151.
Genomic context (GRCh38, chr15:65,650,730, plus strand): 5'-GCCAAAAATGATGAGAAAGGTGTAGAAGATGGAGGGGGAAGTGATGGAGGGGATAGCGAA[G>GAGGAGGAAGAGGAGGAGGAAGAGC]AGGAGGAAGAGGAGGAGGAAGAGCAGGAGGAAGAGGAGGAGGAGGAAGAGCAGGAGGAAG-3'

ClinVar aggregate classification (germline): Uncertain significance. Review status: criteria provided, multiple submitters, no conflicts (2 of 4 stars). 2 submissions from 2 submitters: Uncertain significance (2). Last evaluated 2025-12-15.

Submissions (2):

Labcorp Genetics (formerly Invitae), Labcorp
Classification: Uncertain significance. Last evaluated: 2025-12-15. Review status: criteria provided, single submitter. Criteria: Invitae Variant Classification Sherloc (09022015). Collection method: clinical testing. Allele origin: germline.
Comment: This variant, c.2601_2624dup, results in the insertion of 8 amino acid(s) of the SLC24A1 protein (p.Gln869_Glu876dup), but otherwise preserves the integrity of the reading frame. The frequency data for this variant in the population databases is considered unreliable, as metrics indicate poor data quality at this position in the gnomAD database. This variant has not been reported in the literature in individuals affected with SLC24A1-related conditions. ClinVar contains an entry for this variant (Variation ID: 1039033). Experimental studies and prediction algorithms are not available or were not evaluated, and the functional significance of this variant is currently unknown. In summary, the available evidence is currently insufficient to determine the role of this variant in disease. Therefore, it has been classified as a Variant of Uncertain Significance.

Blueprint Genetics
Classification: Uncertain significance. Last evaluated: 2023-10-23. Review status: criteria provided, single submitter. Criteria: ACMG Guidelines, 2015. Collection method: clinical testing. Allele origin: germline.